The following is an entry in ClinVar:

ClinVar aggregate classification (germline): Conflicting classifications of pathogenicity. Review status: criteria provided, conflicting classifications (1 of 4 stars). 3 submissions from 3 submitters: Uncertain significance (2); Likely benign (1). Last evaluated 2025-02-28.

Conditions:
Shashi-Pena syndrome (SHAPNS). Identifiers: Orphanet 689408, MedGen C4310672, MONDO:0014963, OMIM 617190.
ASXL2-related disorder. Also called: ASXL2-related condition.

Allele frequency attached by ClinVar (database versions not stated): TOPMed 0.00001; gnomAD 0.00001; gnomAD exomes 0.00001.
gnomAD v4.1: 11 of 1,613,908 alleles (0.00068%); highest among the groups gnomAD compares: Non-Finnish European, 0.00085%; 1 homozygote.

Submissions (3):

PreventionGenetics, part of Exact Sciences
Classification: Likely benign for ASXL2-related condition. Last evaluated: 2025-02-28. Review status: criteria provided, single submitter. Criteria: ACMG Guidelines, 2015. Collection method: clinical testing. Allele origin: germline.
Comment: This variant is classified as likely benign based on ACMG/AMP sequence variant interpretation guidelines (Richards et al. 2015 PMID: 25741868, with internal and published modifications).

Labcorp Genetics (formerly Invitae), Labcorp
Classification: Uncertain significance. Last evaluated: 2024-03-01. Review status: criteria provided, single submitter. Criteria: Invitae Variant Classification Sherloc (09022015). Collection method: clinical testing. Allele origin: germline.
Comment: This sequence change replaces alanine, which is neutral and non-polar, with proline, which is neutral and non-polar, at codon 844 of the ASXL2 protein (p.Ala844Pro). This variant is not present in population databases (gnomAD no frequency). This variant has not been reported in the literature in individuals affected with ASXL2-related conditions. ClinVar contains an entry for this variant (Variation ID: 801654). Advanced modeling of protein sequence and biophysical properties (such as structural, functional, and spatial information, amino acid conservation, physicochemical variation, residue mobility, and thermodynamic stability) performed at Invitae indicates that this missense variant is not expected to disrupt ASXL2 protein function with a negative predictive value of 80%. In summary, the available evidence is currently insufficient to determine the role of this variant in disease. Therefore, it has been classified as a Variant of Uncertain Significance.

Mendelics
Classification: Uncertain significance for Shashi-Pena syndrome. Last evaluated: 2019-05-28. Review status: criteria provided, single submitter. Criteria: Mendelics Assertion Criteria 2017. Collection method: clinical testing. Allele origin: unknown.

NM_018263.6(ASXL2):c.2530G>C (p.Ala844Pro)

Gene: ASXL2 (ASXL transcriptional regulator 2; minus strand). Cytogenetic location: 2p23.3.
Variant type: single nucleotide variant.
Coding change: c.2530G>C on transcript NM_018263.6 (MANE Select); coding-DNA position 2530, G replaced by C.
Protein change: p.Ala844Pro; replaces alanine 844 with proline.
Molecular consequence: missense variant.
Genome position (GRCh38, 1-based): chr2:25,743,807, C>G on the plus strand (G>C on the coding strand, the complement: ASXL2 is on the minus strand). VCF-style: chr2-25743807-C-G. GRCh37 (hg19) VCF-style: chr2-25966676-C-G.
Other names: c.2530G>C (NM_018263.4); c.2356G>C, p.Ala786Pro (NM_001369346.1); c.1750G>C, p.Ala584Pro (NM_001369347.1); short protein forms A584P, A786P, A844P.
Identifiers: ClinVar variation 801654 (VCV000801654.6), dbSNP rs1444386149, ClinGen allele CA346080831.
Genomic context (GRCh38, chr2:25,743,807, plus strand): 5'-TCTTACTAGGACCTGCTTTGAGCTCAACTGTGCCATCAGCTGCACAATGAACAGGTGAGG[C>G]ACCTGAGATTAGAGCAGGACCTGTTGGAGAAGGTGCTTTCTCCTGTCTGCAACTACTGGG-3'
Protein context (NP_060733.4, residues 834-854): SPTGPALISG[Ala844Pro]SPVHCAADGT